The following is an entry in ClinVar:

NM_005188.4(CBL):c.2431A>G (p.Thr811Ala)

Gene: CBL (Cbl proto-oncogene; plus strand). Cytogenetic location: 11q23.3.
Variant type: single nucleotide variant.
Coding change: c.2431A>G on transcript NM_005188.4 (MANE Select); coding-DNA position 2431, A replaced by G.
Protein change: p.Thr811Ala; replaces threonine 811 with alanine.
Molecular consequence: missense variant.
Genome position (GRCh38, 1-based): chr11:119,298,537, A>G. VCF-style: chr11-119298537-A-G. GRCh37 (hg19) VCF-style: chr11-119169247-A-G.
Other names: short protein forms T811A.
Identifiers: ClinVar variation 3996077 (VCV003996077.1).
Genomic context (GRCh38, chr11:119,298,537, plus strand): 5'-TCAGATATCTCTAATGCCAGCTCCTCCTTTGGCTGGTTGTCTCTGGATGGTGATCCTACA[A>G]CAAGTGAGTCTCCAGACTACTTTGGGTTTGTCCTGAATGGCAGTGTGGCCTGTATGTTTA-3'
Protein context (NP_005179.2, residues 801-821): GWLSLDGDPT[Thr811Ala]NVTEGSQVPE

ClinVar aggregate classification (germline): Uncertain significance (1 of 4 stars; one submission).

Conditions:
Cardiovascular phenotype. Identifiers: MedGen CN230736.

Submission:

Ambry Genetics
Classification: Uncertain significance for Cardiovascular phenotype. Last evaluated: 2025-05-31. Review status: criteria provided, single submitter. Criteria: Ambry Variant Classification Scheme 2023. Collection method: clinical testing. Allele origin: germline.
Comment: The p.T811A variant (also known as c.2431A>G), located in coding exon 15 of the CBL gene, results from an A to G substitution at nucleotide position 2431. The threonine at codon 811 is replaced by alanine, an amino acid with similar properties. This amino acid position is conserved. In addition, this alteration is predicted to be tolerated by in silico analysis. Based on the available evidence, the clinical significance of this variant remains unclear.